The following is an entry in ClinVar:

ClinVar aggregate classification (germline): Pathogenic. Review status: criteria provided, multiple submitters, no conflicts (2 of 4 stars). 2 submissions from 2 submitters: Pathogenic (2). Last evaluated 2025-08-27.

Conditions:
PKD1-related disorder. Also called: PKD1-related condition.
Polycystic kidney disease, adult type (PKD1). Also called: Polycystic Kidney Disease 1, Autosomal Dominant; Polycystic kidney disease 1; Polycystic kidney disease 1, severe; Polycystic Kidney, Autosomal Dominant; POLYCYSTIC KIDNEY DISEASE, ADULT, TYPE I; POLYCYSTIC KIDNEY DISEASE 1 WITH OR WITHOUT POLYCYSTIC LIVER DISEASE. Identifiers: MedGen C3149841, MONDO:0008263, OMIM 173900.

Submissions (2):

PreventionGenetics, part of Exact Sciences
Classification: Pathogenic for PKD1-related condition. Last evaluated: 2025-08-27. Review status: criteria provided, single submitter. Criteria: ACMG Guidelines, 2015. Collection method: clinical testing. Allele origin: germline.
Comment: The PKD1 c.8945dupC variant is predicted to result in a frameshift and premature protein termination (p.Ser2984Glufs*85). This variant was reported in an individual with autosomal dominant polycystic kidney disease (ADPKD) (Zhou et al. 2025. PubMed ID: 40676543). This variant has not been reported in a large population database (gnomAD), indicating this variant is rare. Frameshift variants in PKD1 are expected to be pathogenic. This variant is interpreted as pathogenic.

Fulgent Genetics
Classification: Pathogenic for Polycystic kidney disease, adult type. Last evaluated: 2024-01-10. Review status: criteria provided, single submitter. Criteria: ACMG Guidelines, 2015. Collection method: clinical testing. Allele origin: germline.

NM_001009944.3(PKD1):c.8945dup (p.Ser2984fs)

Gene: PKD1 (polycystin 1, transient receptor potential channel interacting; minus strand). Cytogenetic location: 16p13.3.
Variant type: Duplication.
Coding change: c.8945dup on transcript NM_001009944.3 (MANE Select); coding-DNA position 8945, one base duplicated (C; older notation c.8945dupC).
Protein change: p.Ser2984fs; shifts the reading frame from serine 2984.
Molecular consequence: frameshift variant.
Genome position (GRCh38, 1-based): chr16:2,102,817, G duplicated on the plus strand (C on the coding strand, the reverse complement: PKD1 is on the minus strand); the first of 4 consecutive G bases (chr16:2,102,817-2,102,820); duplicating any one gives the same sequence. VCF-style (leftmost placement, unchanged base first): chr16-2102816-C-CG. GRCh37 (hg19) VCF-style: chr16-2152817-C-CG.
Other names: c.8945dupC (NM_001009944.2); c.8945dup, p.Ser2984fs (NM_000296.4); short protein forms S2984fs.
Identifiers: ClinVar variation 3579141 (VCV003579141.2).